The following is an entry in ClinVar:

ClinVar aggregate classification (germline): Uncertain significance (1 of 4 stars; one submission).

Conditions:
Cardiomyopathy (CMYO). Also called: Cardiomyopathies. Identifiers: Orphanet 167848, MedGen C0878544, MONDO:0004994, HP:0001638. Inheritance: Various modes of inheritance.

Submission:

Color Diagnostics, LLC DBA Color Health
Classification: Uncertain significance for Cardiomyopathy. Last evaluated: 2024-03-06. Review status: criteria provided, single submitter. Criteria: ACMG Guidelines, 2015. Collection method: clinical testing. Allele origin: germline.
Comment: This missense variant replaces alanine with serine at codon 3913 of the RYR2 protein. Computational prediction suggests that this variant may have deleterious impact on protein structure and function (internally defined REVEL score threshold >= 0.7, PMID: 27666373). Splice site prediction tools suggest that this variant may not impact RNA splicing. To our knowledge, functional studies have not been performed for this variant. This variant has not been reported in individuals affected with cardiovascular disorders in the literature. This variant has not been identified in the general population by the Genome Aggregation Database (gnomAD). The available evidence is insufficient to determine the role of this variant in disease conclusively. Therefore, this variant is classified as a Variant of Uncertain Significance.

NM_001035.3(RYR2):c.11737G>T (p.Ala3913Ser)

Gene: RYR2 (ryanodine receptor 2; plus strand). Cytogenetic location: 1q43.
Variant type: single nucleotide variant.
Coding change: c.11737G>T on transcript NM_001035.3 (MANE Select); coding-DNA position 11737, G replaced by T.
Protein change: p.Ala3913Ser; replaces alanine 3913 with serine.
Molecular consequence: missense variant.
Genome position (GRCh38, 1-based): chr1:237,773,610, G>T. VCF-style: chr1-237773610-G-T. GRCh37 (hg19) VCF-style: chr1-237936910-G-T.
Other names: short protein forms A3913S.
Identifiers: ClinVar variation 920020 (VCV000920020.4), dbSNP rs1212225668, ClinGen allele CA345407929.
Genomic context (GRCh38, chr1:237,773,610, plus strand): 5'-TCTGGGAAAGATGTTATTGATGAACAAGGACAACGGAATTTCTCCAAAGCTATCCAAGTG[G>T]CAAAACAAGTCTTTAACACTCTTACAGAGTATATTCAGGTAAACATTTAAACATGGCTGC-3'
Protein context (NP_001026.2, residues 3903-3923): QRNFSKAIQV[Ala3913Ser]KQVFNTLTEY